The following is an entry in ClinVar:

ClinVar aggregate classification (germline): Uncertain significance. Review status: criteria provided, multiple submitters, no conflicts (2 of 4 stars). 2 submissions from 2 submitters: Uncertain significance (2). Last evaluated 2025-08-04.

Conditions:
Inborn genetic diseases. Identifiers: MedGen C0950123, MeSH D030342.

Allele frequency attached by ClinVar (database versions not stated): ExAC 0.00002; gnomAD 0.00003; TOPMed 0.00004; gnomAD exomes 0.00005.
gnomAD v4.1: 80 of 1,612,598 alleles (0.005%); highest among the groups gnomAD compares: Non-Finnish European, 0.0063%; no homozygotes.

Submissions (2):

Ambry Genetics
Classification: Uncertain significance for Inborn genetic diseases. Last evaluated: 2025-08-04. Review status: criteria provided, single submitter. Criteria: Ambry Variant Classification Scheme 2023. Collection method: clinical testing. Allele origin: germline.

Labcorp Genetics (formerly Invitae), Labcorp
Classification: Uncertain significance. Last evaluated: 2025-04-15. Review status: criteria provided, single submitter. Criteria: Invitae Variant Classification Sherloc (09022015). Collection method: clinical testing. Allele origin: germline.
Comment: This sequence change replaces threonine, which is neutral and polar, with alanine, which is neutral and non-polar, at codon 1032 of the LAMA5 protein (p.Thr1032Ala). This variant is present in population databases (rs777665241, gnomAD 0.009%). This variant has not been reported in the literature in individuals affected with LAMA5-related conditions. ClinVar contains an entry for this variant (Variation ID: 2416477). An algorithm developed to predict the effect of missense changes on protein structure and function (PolyPhen-2) suggests that this variant is likely to be tolerated. In summary, the available evidence is currently insufficient to determine the role of this variant in disease. Therefore, it has been classified as a Variant of Uncertain Significance.

NM_005560.6(LAMA5):c.3094A>G (p.Thr1032Ala)

Gene: LAMA5 (laminin subunit alpha 5; minus strand). Cytogenetic location: 20q13.33.
Variant type: single nucleotide variant.
Coding change: c.3094A>G on transcript NM_005560.6 (MANE Select); coding-DNA position 3094, A replaced by G.
Protein change: p.Thr1032Ala; replaces threonine 1032 with alanine.
Molecular consequence: missense variant.
Genome position (GRCh38, 1-based): chr20:62,333,409, T>C on the plus strand (A>G on the coding strand, the complement: LAMA5 is on the minus strand). VCF-style: chr20-62333409-T-C. GRCh37 (hg19) VCF-style: chr20-60908465-T-C.
Other names: c.3094A>G (NM_005560.3); short protein forms T1032A.
Identifiers: ClinVar variation 2416477 (VCV002416477.7), dbSNP rs777665241, ClinGen allele CA9943175.